The following is an entry in ClinVar:

ClinVar aggregate classification (germline): Likely benign (1 of 4 stars; one submission).

Submission:

CeGaT Center for Human Genetics Tuebingen
Classification: Likely benign. Last evaluated: 2026-08-01. Review status: criteria provided, single submitter. Criteria: CeGaT Center For Human Genetics Tuebingen Variant Classification Criteria Version 2. Collection method: clinical testing. Allele origin: germline. Affected: yes. Observed: 1 variant allele.
Comment: AQP8: BP4, BP7

NM_001169.3(AQP8):c.306C>T (p.Ile102=)

Gene: AQP8 (aquaporin 8; plus strand). Cytogenetic location: 16p12.1.
Variant type: single nucleotide variant.
Coding change: c.306C>T on transcript NM_001169.3 (MANE Select); coding-DNA position 306, C replaced by T.
Protein change: p.Ile102=; no amino-acid change (isoleucine 102 retained).
Molecular consequence: synonymous variant.
Genome position (GRCh38, 1-based): chr16:25,221,502, C>T. VCF-style: chr16-25221502-C-T. GRCh37 (hg19) VCF-style: chr16-25232823-C-T.
Identifiers: ClinVar variation 5041879 (VCV005041879.1).